The following is an entry in ClinVar:

ClinVar aggregate classification (germline): Uncertain significance (1 of 4 stars; one submission).

Submission:

GeneDx
Classification: Uncertain significance. Last evaluated: 2024-09-19. Review status: criteria provided, single submitter. Criteria: GeneDx Variant Classification Process June 2021. Collection method: clinical testing. Allele origin: germline. Affected: yes.
Comment: Not observed at significant frequency in large population cohorts (gnomAD); Missense variants in this gene are a common cause of disease and they are underrepresented in the general population; In silico analysis supports that this missense variant has a deleterious effect on protein structure/function; Has not been previously published as pathogenic or benign to our knowledge; This variant is associated with the following publications: (PMID: 29493581)

NM_002880.4(RAF1):c.1388A>G (p.Asn463Ser)

Gene: RAF1 (Raf-1 proto-oncogene, serine/threonine kinase; minus strand). Cytogenetic location: 3p25.2.
Variant type: single nucleotide variant.
Coding change: c.1388A>G on transcript NM_002880.4 (MANE Select); coding-DNA position 1388, A replaced by G.
Protein change: p.Asn463Ser; replaces asparagine 463 with serine.
Molecular consequence: missense variant. On other transcripts: non-coding transcript variant (3).
Genome position (GRCh38, 1-based): chr3:12,587,620, T>C on the plus strand (A>G on the coding strand, the complement: RAF1 is on the minus strand). VCF-style: chr3-12587620-T-C. GRCh37 (hg19) VCF-style: chr3-12629119-T-C.
Other names: c.1448A>G, p.Asn483Ser (NM_001354689.3); c.1388A>G, p.Asn463Ser (NM_001354690.3); c.1145A>G, p.Asn382Ser (NM_001354691.3, NM_001354692.3); c.1289A>G, p.Asn430Ser (NM_001354693.3); c.1205A>G, p.Asn402Ser (NM_001354694.3); c.1046A>G, p.Asn349Ser (NM_001354695.3); short protein forms N349S, N382S, N402S, N430S, N463S, N483S.
Identifiers: ClinVar variation 3774061 (VCV003774061.1).
Genomic context (GRCh38, chr3:12,587,620, plus strand): 5'-CAGTCAAATGAACTCAACAACCAAAGGATACTGTTGGATTTCATGTCTCTATGGATGATG[T>C]TCTTTGCATGCAAATAGCTGTGAAGGGAAAAGAAATTATTAAAAATAAGTTTGAGGGGCA-3'
Protein context (NP_002871.1, residues 453-473): AQGMDYLHAK[Asn463Ser]IIHRDMKSNN